The following is an entry in ClinVar:

NM_001430.5(EPAS1):c.1348G>C (p.Glu450Gln)

Gene: EPAS1 (endothelial PAS domain protein 1; plus strand). Cytogenetic location: 2p21.
Variant type: single nucleotide variant.
Coding change: c.1348G>C on transcript NM_001430.5 (MANE Select); coding-DNA position 1348, G replaced by C.
Protein change: p.Glu450Gln; replaces glutamic acid 450 with glutamine.
Molecular consequence: missense variant.
Genome position (GRCh38, 1-based): chr2:46,377,992, G>C. VCF-style: chr2-46377992-G-C. GRCh37 (hg19) VCF-style: chr2-46605131-G-C.
Other names: short protein forms E450Q.
Identifiers: ClinVar variation 3508924 (VCV003508924.1).

ClinVar aggregate classification (germline): Uncertain significance (1 of 4 stars; one submission).

Conditions:
Inborn genetic diseases. Identifiers: MedGen C0950123, MeSH D030342.

Submission:

Ambry Genetics
Classification: Uncertain significance for Inborn genetic diseases. Last evaluated: 2024-09-26. Review status: criteria provided, single submitter. Criteria: Ambry Variant Classification Scheme 2023. Collection method: clinical testing. Allele origin: germline.
Comment: The p.E450Q variant (also known as c.1348G>C), located in coding exon 10 of the EPAS1 gene, results from a G to C substitution at nucleotide position 1348. The glutamic acid at codon 450 is replaced by glutamine, an amino acid with highly similar properties. This amino acid position is conserved. In addition, this alteration is predicted to be tolerated by in silico analysis. Based on the available evidence, the clinical significance of this variant remains unclear.